The following is an entry in ClinVar:

ClinVar aggregate classification (germline): Likely benign. Review status: criteria provided, multiple submitters, no conflicts (2 of 4 stars). 3 submissions from 3 submitters: Likely benign (2). 1 of the submissions does not count toward it. Last evaluated 2024-10-11.

Conditions:
SH2B1-related disorder. Also called: SH2B1-related condition.

Allele frequency attached by ClinVar (database versions not stated): ExAC 0.00003; gnomAD 0.00004; TOPMed 0.00004; gnomAD exomes 0.00008 and 0.00002.
gnomAD v4.1: 118 of 1,604,080 alleles (0.0074%); highest among the groups gnomAD compares: Non-Finnish European, 0.0098%; no homozygotes.

Submissions (3):

Ambry Genetics
Classification: Likely benign. Last evaluated: 2024-10-11. Review status: criteria provided, single submitter. Criteria: Ambry Variant Classification Scheme 2023. Collection method: clinical testing. Allele origin: germline.

Labcorp Genetics (formerly Invitae), Labcorp
Classification: Likely benign. Last evaluated: 2017-11-20. Review status: criteria provided, single submitter. Criteria: Invitae Variant Classification Sherloc (09022015). Collection method: clinical testing. Allele origin: germline.

PreventionGenetics, part of Exact Sciences
Classification: Likely benign for SH2B1-related condition. Last evaluated: 2021-12-21. Review status: no assertion criteria provided. Collection method: clinical testing. Allele origin: germline. Not counted in ClinVar's aggregate classification.
Comment: This variant is classified as likely benign based on ACMG/AMP sequence variant interpretation guidelines (Richards et al. 2015 PMID: 25741868, with internal and published modifications).

NM_001387430.1(SH2B1):c.1980G>A (p.Ala660=)

Gene: SH2B1 (SH2B adaptor protein 1; plus strand). Cytogenetic location: 16p11.2.
Variant type: single nucleotide variant.
Coding change: c.1980G>A on transcript NM_001387430.1 (MANE Select); coding-DNA position 1980, G replaced by A.
Protein change: p.Ala660=; no amino-acid change (alanine 660 retained).
Molecular consequence: synonymous variant. On other transcripts: 3 prime UTR variant (5).
Genome position (GRCh38, 1-based): chr16:28,873,529, G>A. VCF-style: chr16-28873529-G-A. GRCh37 (hg19) VCF-style: chr16-28884850-G-A.
Other names: c.1980G>A, p.Ala660= (NM_001145795.2, NM_001308293.2, NM_001387404.1); c.*64G>A (NM_001145796.2, NM_001145812.2, NM_001308294.2 and 1 more transcripts); c.*81G>A (NM_001145797.2).
Identifiers: ClinVar variation 724777 (VCV000724777.5), dbSNP rs776698232, ClinGen allele CA7986415.